The following is an entry in ClinVar:

ClinVar aggregate classification (germline): Likely pathogenic (1 of 4 stars; one submission).

Submission:

Labcorp Genetics (formerly Invitae), Labcorp
Classification: Likely pathogenic. Last evaluated: 2022-10-04. Review status: criteria provided, single submitter. Criteria: Invitae Variant Classification Sherloc (09022015). Collection method: clinical testing. Allele origin: germline.
Comment: This missense change has been observed in individual(s) with BEST1-related conditions (Invitae). In summary, the currently available evidence indicates that the variant is pathogenic, but additional data are needed to prove that conclusively. Therefore, this variant has been classified as Likely Pathogenic. This variant disrupts the p.Ile76 amino acid residue in BEST1. Other variant(s) that disrupt this residue have been observed in individuals with BEST1-related conditions (PMID: 21109774, 21273940, 28687848), which suggests that this may be a clinically significant amino acid residue. Advanced modeling of protein sequence and biophysical properties (such as structural, functional, and spatial information, amino acid conservation, physicochemical variation, residue mobility, and thermodynamic stability) performed at Invitae indicates that this missense variant is expected to disrupt BEST1 protein function. ClinVar contains an entry for this variant (Variation ID: 842485). This variant is not present in population databases (gnomAD no frequency). This sequence change replaces isoleucine, which is neutral and non-polar, with phenylalanine, which is neutral and non-polar, at codon 76 of the BEST1 protein (p.Ile76Phe).

Literature cited by the submitters: PubMed 21109774; PubMed 21273940; PubMed 28687848.

NM_004183.4(BEST1):c.226A>T (p.Ile76Phe)

Gene: BEST1 (bestrophin 1; plus strand). Cytogenetic location: 11q12.3.
Variant type: single nucleotide variant.
Coding change: c.226A>T on transcript NM_004183.4 (MANE Select); coding-DNA position 226, A replaced by T.
Protein change: p.Ile76Phe; replaces isoleucine 76 with phenylalanine.
Molecular consequence: missense variant. On other transcripts: non-coding transcript variant (1).
Genome position (GRCh38, 1-based): chr11:61,955,180, A>T. VCF-style: chr11-61955180-A-T. GRCh37 (hg19) VCF-style: chr11-61722652-A-T.
Other names: c.46A>T, p.Ile16Phe (NM_001139443.3, NM_001300786.2, NM_001300787.2); c.226A>T, p.Ile76Phe (NM_001363592.2); short protein forms I76F, I16F.
Identifiers: ClinVar variation 842485 (VCV000842485.11), dbSNP rs1941153466, ClinGen allele CA380833773.